The following is an entry in ClinVar:

ClinVar aggregate classification (germline): Uncertain significance (1 of 4 stars; one submission).

gnomAD v4.1: 3 of 1,549,124 alleles (0.00019%); highest among the groups gnomAD compares: Non-Finnish European, 0.00026%; no homozygotes.

Submission:

Labcorp Genetics (formerly Invitae), Labcorp
Classification: Uncertain significance. Last evaluated: 2025-11-27. Review status: criteria provided, single submitter. Criteria: Invitae Variant Classification Sherloc (09022015). Collection method: clinical testing. Allele origin: germline.
Comment: This sequence change falls in intron 1 of the SHPK gene. It does not directly change the encoded amino acid sequence of the SHPK protein. It affects a nucleotide within the consensus splice site. This variant is not present in population databases (gnomAD no frequency). This variant has not been reported in the literature in individuals affected with SHPK-related conditions. Variants that disrupt the consensus splice site are a relatively common cause of aberrant splicing (PMID: 17576681, 9536098). Algorithms developed to predict the effect of sequence changes on RNA splicing suggest that this variant may disrupt the consensus splice site. In summary, the available evidence is currently insufficient to determine the role of this variant in disease. Therefore, it has been classified as a Variant of Uncertain Significance.

Literature cited by the submitters: PubMed 17576681; PubMed 9536098.

NM_013276.4(SHPK):c.168+4A>G

Gene: SHPK (sedoheptulokinase; minus strand). Cytogenetic location: 17p13.2.
Variant type: single nucleotide variant.
Coding change: c.168+4A>G on transcript NM_013276.4 (MANE Select); 4 bases into the intron after coding-DNA position 168, A replaced by G.
Molecular consequence: intron variant.
Genome position (GRCh38, 1-based): chr17:3,636,048, T>C on the plus strand (A>G on the coding strand, the complement: SHPK is on the minus strand). VCF-style: chr17-3636048-T-C. GRCh37 (hg19) VCF-style: chr17-3539342-T-C.
Identifiers: ClinVar variation 4750563 (VCV004750563.1).